The following is an entry in ClinVar:

ClinVar aggregate classification (germline): Pathogenic/Likely pathogenic. Review status: criteria provided, multiple submitters, no conflicts (2 of 4 stars). 13 submissions from 13 submitters: Pathogenic (7); Likely pathogenic (6). Last evaluated 2026-02-03.

Conditions:
MYH7-related disorder. Also called: MYH7-related disorders; MYH7-related condition; MYH7-related disease.
Cardiovascular phenotype. Identifiers: MedGen CN230736.
Cardiomyopathy (CMYO). Also called: Cardiomyopathies. Identifiers: Orphanet 167848, MedGen C0878544, MONDO:0004994, HP:0001638. Inheritance: Various modes of inheritance.
Hypertrophic cardiomyopathy 1 (CMH1). Also called: Familial hypertrophic cardiomyopathy 1; MYH7-Related Familial Hypertrophic Cardiomyopathy. Identifiers: MedGen C3495498, MONDO:0008647, OMIM 192600.
Primary familial hypertrophic cardiomyopathy (HCM). Identifiers: Orphanet 99739, MedGen C0949658, MeSH D024741, MONDO:0024573. Inheritance: Various modes of inheritance.
Hypertrophic cardiomyopathy. Also called: HYPERTROPHIC MYOCARDIOPATHY. Identifiers: Orphanet 217569, MedGen C0007194, MeSH D002312, MONDO:0005045, HP:0001639.

Allele frequency attached by ClinVar (database versions not stated): gnomAD 0.00001.
gnomAD v4.1: 8 of 1,614,040 alleles (0.0005%); highest among the groups gnomAD compares: African/African-American, 0.0013%; no homozygotes.

Submissions 1 to 9 of 13:

Labcorp Genetics (formerly Invitae), Labcorp
Classification: Pathogenic for Hypertrophic cardiomyopathy. Last evaluated: 2026-02-03. Review status: criteria provided, single submitter. Criteria: Invitae Variant Classification Sherloc (09022015). Collection method: clinical testing. Allele origin: germline.
Comment: This sequence change replaces glycine, which is neutral and non-polar, with serine, which is neutral and polar, at codon 584 of the MYH7 protein (p.Gly584Ser). This variant is not present in population databases (gnomAD no frequency). This missense change has been observed in individuals with hypertrophic cardiomyopathy (PMID: 12974739, 23283745, 24510615, 26187847, 26914223). ClinVar contains an entry for this variant (Variation ID: 42862). Invitae Evidence Modeling of protein sequence and biophysical properties (such as structural, functional, and spatial information, amino acid conservation, physicochemical variation, residue mobility, and thermodynamic stability) indicates that this missense variant is expected to disrupt MYH7 protein function with a positive predictive value of 95%. This variant disrupts the p.Gly584 amino acid residue in MYH7. Other variant(s) that disrupt this residue have been determined to be pathogenic (PMID: 1552912, 8282798, 8335820, 24093860). This suggests that this residue is clinically significant, and that variants that disrupt this residue are likely to be disease-causing. For these reasons, this variant has been classified as Pathogenic.

Ambry Genetics
Classification: Pathogenic for Cardiovascular phenotype. Last evaluated: 2025-08-07. Review status: criteria provided, single submitter. Criteria: Ambry Variant Classification Scheme 2023. Collection method: clinical testing. Allele origin: germline.
Comment: The p.G584S pathogenic mutation (also known as c.1750G>A), located in coding exon 14 of the MYH7 gene, results from a G to A substitution at nucleotide position 1750. The glycine at codon 584 is replaced by serine, an amino acid with similar properties, This alteration is located in the myosin head domain, which contains a statistically significant clustering of pathogenic missense variants (Homburger JR et al. Proc Natl Acad Sci U S A, 2016 06;113:6701-6; Walsh R et al. Genet Med, 2017 02;19:192-203; Ambry internal data). This alteration was reported in multiple individuals with features consistent with hypertrophic cardiomyopathy (Erdmann J et al. Clin Genet. 2003;64(4):339-49; Zou Y et al. Mol Biol Rep. 2013;40(6):3969-76; Kapplinger JD et al. J Cardiovasc Transl Res. 2014;7(3):347-61; Murphy SL et al. J Cardiovasc Transl Res. 2016;9:153-61; Haskell GT et al. Circ Cardiovasc Genet. 2017;10:e001443; Dai J et al. Front Med. 2023 Aug;17(4):768-780; Oktay V. et al Anatol J Cardiol. 2023 Nov;27(11):628-638). This amino acid position is highly conserved in available vertebrate species. In addition, this alteration is predicted to be deleterious by in silico analysis. This variant is considered to be rare based on population cohorts in the Genome Aggregation Database (gnomAD). Based on the supporting evidence, this variant is interpreted as a disease-causing mutation.

Color Diagnostics, LLC DBA Color Health
Classification: Likely pathogenic for Cardiomyopathy. Last evaluated: 2025-07-18. Review status: criteria provided, single submitter. Criteria: ACMG Guidelines, 2015. Collection method: clinical testing. Allele origin: germline.
Comment: This missense variant replaces glycine with serine at codon 584 of the myosin head/motor (S1) domain of the MYH7 protein. Computational prediction suggests that this variant may have a deleterious impact on protein structure and function. This variant is found within a highly conserved region of the myosin head domain. Missense variants in this region have been shown to be significantly overrepresented in individuals with hypertrophic cardiomyopathy (PMID: 27532257). To our knowledge, functional studies have not been reported for this variant. This variant has been reported in more than 10 individuals affected with hypertrophic cardiomyopathy (PMID: 1552912, 12974739, 23283745, 24510615, 28611029, 28640247, 31308319, 33495597, 34310159, 37121957, 37466024). A different variant occurring at the same codon, p.Gly584Arg, is a well documented pathogenic mutation (Clinvar variation ID: 14090), indicating that glycine at this position is important for MYH7 protein function. This variant has not been identified in the general population by the Genome Aggregation Database (gnomAD). Based on the available evidence, this variant is classified as Likely Pathogenic.

Blueprint Genetics
Classification: Pathogenic for MYH7-related disorders. Last evaluated: 2024-10-01. Review status: criteria provided, single submitter. Criteria: ACMG Guidelines, 2015. Collection method: clinical testing. Allele origin: germline. Affected: yes. Observed: 5 variant alleles.

All of Us Research Program, National Institutes of Health
Classification: Likely pathogenic for Hypertrophic cardiomyopathy. Last evaluated: 2024-09-28. Review status: criteria provided, single submitter. Criteria: ACMG Guidelines, 2015. Collection method: clinical testing. Allele origin: germline. Inheritance: Autosomal dominant inheritance. Observed: 5 variant alleles, 5 heterozygotes.
Comment: The c.1750G>A (p.Gly584Ser) variant in MYH7 gene, that encodes for myosin heavy chain 7, has been identified in several (>10) unrelated individuals affected with the consistent phenotype of hypertrophic cardiomyopathy (HCM) (PMID:12974739, 23283745, 24510615, 24793961, 26914223, 28611029, 28640247, 30297972, 31308319, 32894683, 33673806). This variant lies in the established functional domain (amino acids 181-937) of the MYH7 protein without benign variations and missense variants in this region are statistically more likely to be disease-associated (PMID: 27532257, 27247418). In-silico computational prediction tools suggest that the p.Gly584Ser variant may have deleterious effect on the protein function (REVEL score: 0.87). This variant is found to be absent in the general population database, gnomAD and interpreted as likely pathogenic/pathogenic by several submitters in the ClinVar database (ClinVar ID: 42862). Another amino acid substitution at the same position (p.Gly584Arg) has been reported in individuals with hypertrophic cardiomyopathy (PMID: 1552912, 24093860), and has been classified as pathogenic by the ClinGen Cardiomyopathy Expert Panel (ClinVar ID: 14090). Therefore, the c.1750G>A (p.Gly584Ser) variant in the MYH7 gene is classified as likely pathogenic.

This study involves interpretation of variants in research participants for the purpose of population health screening. Participant phenotype was not available at the time of variant classification. Additional details can be found in publication PMID: 35346344, PMCID: PMC8962531

CeGaT Center for Human Genetics Tuebingen
Classification: Likely pathogenic. Last evaluated: 2024-05-01. Review status: criteria provided, single submitter. Criteria: CeGaT Center For Human Genetics Tuebingen Variant Classification Criteria Version 2. Collection method: clinical testing. Allele origin: germline. Affected: yes. Observed: 3 variant alleles.
Comment: MYH7: PM1, PM2, PM5, PS4:Moderate

Illumina Laboratory Services, Illumina
Classification: Likely pathogenic for Hypertrophic cardiomyopathy 1. Last evaluated: 2023-08-10. Review status: criteria provided, single submitter. Criteria: ICSLVariantClassificationCriteria RUGD 01 April 2020. Collection method: clinical testing. Allele origin: unknown.
Comment: The MYH7 c.1750G>A (p.Gly584Ser) missense variant results in the substitution of glycine at position 584 with serine. This variant has been reported in a heterozygous state in seven individuals with hypertrophic cardiomyopathy (PMID: 12974739; 23283745; 24510615; 26914223; 31447099; 33673806; 28640247). Additionally, a different amino acid substitution at the same position (p.Gly584Arg) has been reported in individuals with hypertrophic cardiomyopathy (PMID: 1552912; 8282798; 8335820; 24093860), and has been classified as pathogenic by the ClinGen Cardiomyopathy Expert Panel (ClinVar: 14090). This variant is located in the myosin head domain, a known region critical for protein function (PMID: 29300372). This variant is not observed at a significant frequency in version 2.1.1 or version 3.1.2 of the Genome Aggregation Database. Multiple lines of computational evidence suggest the variant may impact the gene or gene product. Based on the available evidence, the c.1750G>A (p.Gly584Ser) variant is classified as likely pathogenic for hypertrophic cardiomyopathy.

Molecular Diagnostic Laboratory for Inherited Cardiovascular Disease, Montreal Heart Institute
Classification: Pathogenic for Cardiovascular phenotype. Last evaluated: 2022-07-11. Review status: criteria provided, single submitter. Criteria: ACMG Guidelines, 2015. Collection method: clinical testing. Allele origin: germline. Affected: yes.

CHEO Genetics Diagnostic Laboratory, Children's Hospital of Eastern Ontario
Classification: Pathogenic for Cardiomyopathy. Last evaluated: 2021-09-23. Review status: criteria provided, single submitter. Criteria: ACMG Guidelines, 2015. Collection method: clinical testing. Allele origin: germline.

NM_000257.4(MYH7):c.1750G>A (p.Gly584Ser)

Gene: MYH7 (myosin heavy chain 7; minus strand). Cytogenetic location: 14q11.2.
Variant type: single nucleotide variant.
Coding change: c.1750G>A on transcript NM_000257.4 (MANE Select); coding-DNA position 1750, G replaced by A.
Protein change: p.Gly584Ser; replaces glycine 584 with serine.
Molecular consequence: missense variant.
Genome position (GRCh38, 1-based): chr14:23,427,723, C>T on the plus strand (G>A on the coding strand, the complement: MYH7 is on the minus strand). VCF-style: chr14-23427723-C-T. GRCh37 (hg19) VCF-style: chr14-23896932-C-T.
Other names: short protein forms G584S.
Identifiers: ClinVar variation 42862 (VCV000042862.54), dbSNP rs121913626, ClinGen allele CA011178.
Genomic context (GRCh38, chr14:23,427,723, plus strand): 5'-TCTCATTGAGAGGATCCTTGTTCTTCTGCAGCCAGCCAATGATGTTGTAGTCCACGATGC[C>T]GGCATAGTGGATCAGGGAGAAGTGGGCTTCAGGCTTCCCCTTGATATTGCGTGGCTTCTG-3'
Protein context (NP_000248.2, residues 574-594): EAHFSLIHYA[Gly584Ser]IVDYNIIGWL